The following is an entry in ClinVar:

NM_000180.4(GUCY2D):c.1378+8C>T

Gene: GUCY2D (guanylate cyclase 2D, retinal; plus strand). Cytogenetic location: 17p13.1.
Variant type: single nucleotide variant.
Coding change: c.1378+8C>T on transcript NM_000180.4 (MANE Select); 8 bases into the intron after coding-DNA position 1378, C replaced by T.
Molecular consequence: intron variant.
Genome position (GRCh38, 1-based): chr17:8,006,722, C>T. VCF-style: chr17-8006722-C-T. GRCh37 (hg19) VCF-style: chr17-7910040-C-T.
Identifiers: ClinVar variation 1036656 (VCV001036656.6), dbSNP rs1457493139, ClinGen allele CA2246092876.

ClinVar aggregate classification (germline): Uncertain significance (1 of 4 stars; one submission).

Conditions:
Cone-rod dystrophy 6 (CORD6). Also called: RETINAL CONE DYSTROPHY 2; Cone dystrophy progressive. Identifiers: Orphanet 1872, MedGen C1866293, MONDO:0011143, OMIM 601777.
Leber congenital amaurosis 1 (LCA1). Also called: RETINAL BLINDNESS, CONGENITAL; AMAUROSIS CONGENITA OF LEBER I; Congenital absence of the rods and cones; Leber's congenital tapetoretinal degeneration; Leber's congenital tapetoretinal dysplasia. Identifiers: Orphanet 65, MedGen C2931258, MONDO:0008764, OMIM 204000.

gnomAD v4.1: 1 of 1,589,046 alleles (0.000063%); highest among the groups gnomAD compares: Non-Finnish European, 0.000086%; no homozygotes.

Submission:

Labcorp Genetics (formerly Invitae), Labcorp
Classification: Uncertain significance for Leber congenital amaurosis 1; Cone-rod dystrophy 6. Last evaluated: 2021-08-24. Review status: criteria provided, single submitter. Criteria: Invitae Variant Classification Sherloc (09022015). Collection method: clinical testing. Allele origin: germline.
Comment: This sequence change falls in intron 4 of the GUCY2D gene. It does not directly change the encoded amino acid sequence of the GUCY2D protein. This variant is not present in population databases (ExAC no frequency). This variant has not been reported in the literature in individuals affected with GUCY2D-related conditions. Algorithms developed to predict the effect of sequence changes on RNA splicing suggest that this variant may create or strengthen a splice site. In summary, the available evidence is currently insufficient to determine the role of this variant in disease. Therefore, it has been classified as a Variant of Uncertain Significance.